The following is an entry in ClinVar:

ClinVar aggregate classification (germline): Uncertain significance (1 of 4 stars; one submission).

Submission:

Labcorp Genetics (formerly Invitae), Labcorp
Classification: Uncertain significance. Last evaluated: 2022-03-28. Review status: criteria provided, single submitter. Criteria: Invitae Variant Classification Sherloc (09022015). Collection method: clinical testing. Allele origin: germline.
Comment: This sequence change replaces glutamine, which is neutral and polar, with lysine, which is basic and polar, at codon 376 of the CPLANE1 protein (p.Gln376Lys). This variant is not present in population databases (gnomAD no frequency). This variant has not been reported in the literature in individuals affected with CPLANE1-related conditions. Advanced modeling of protein sequence and biophysical properties (such as structural, functional, and spatial information, amino acid conservation, physicochemical variation, residue mobility, and thermodynamic stability) performed at Invitae indicates that this missense variant is not expected to disrupt CPLANE1 protein function. In summary, the available evidence is currently insufficient to determine the role of this variant in disease. Therefore, it has been classified as a Variant of Uncertain Significance.

NM_001384732.1(CPLANE1):c.1126C>A (p.Gln376Lys)

Gene: CPLANE1 (ciliogenesis and planar polarity effector complex subunit 1; minus strand). Cytogenetic location: 5p13.2.
Variant type: single nucleotide variant.
Coding change: c.1126C>A on transcript NM_001384732.1 (MANE Select); coding-DNA position 1126, C replaced by A.
Protein change: p.Gln376Lys; replaces glutamine 376 with lysine.
Molecular consequence: missense variant.
Genome position (GRCh38, 1-based): chr5:37,227,813, G>T on the plus strand (C>A on the coding strand, the complement: CPLANE1 is on the minus strand). VCF-style: chr5-37227813-G-T. GRCh37 (hg19) VCF-style: chr5-37227915-G-T.
Other names: c.1126C>A, p.Gln376Lys (NM_023073.4); short protein forms Q376K.
Identifiers: ClinVar variation 1990797 (VCV001990797.4), dbSNP rs2548609768, ClinGen allele CA359506844.